The following is an entry in ClinVar:

ClinVar aggregate classification (germline): Uncertain significance (0 of 4 stars; one submission).

Conditions:
TET2-related disorder. Also called: TET2-related condition.

Submission:

PreventionGenetics, part of Exact Sciences
Classification: Uncertain significance for TET2-related condition. Last evaluated: 2024-09-23. Review status: no assertion criteria provided. Collection method: clinical testing. Allele origin: germline.
Comment: The TET2 c.5140A>C variant is predicted to result in the amino acid substitution p.Asn1714His. To our knowledge, this variant has not been reported in the literature or in a large population database, indicating this variant is rare. At this time, the clinical significance of this variant is uncertain due to the absence of conclusive functional and genetic evidence.

NM_001127208.3(TET2):c.5140A>C (p.Asn1714His)

Genes: TET2 (tet methylcytosine dioxygenase 2; plus strand), TET2-AS1 (TET2 antisense RNA 1; minus strand). Cytogenetic location: 4q24.
Variant type: single nucleotide variant.
Coding change: c.5140A>C on transcript NM_001127208.3 (MANE Select); coding-DNA position 5140, A replaced by C.
Protein change: p.Asn1714His; replaces asparagine 1714 with histidine.
Molecular consequence: missense variant.
Genome position (GRCh38, 1-based): chr4:105,275,650, A>C. VCF-style: chr4-105275650-A-C. GRCh37 (hg19) VCF-style: chr4-106196807-A-C.
Other names: short protein forms N1714H.
Identifiers: ClinVar variation 3345962 (VCV003345962.1).
Genomic context (GRCh38, chr4:105,275,650, plus strand): 5'-TTAGGTTATGGAAACCAAAATATGCAGGGAGATGGTTTCAGCAGTTGTACCATTAGACCA[A>C]ATGTACATCATGTAGGGAAATTGCCTCCTTATCCCACTCATGAGATGGATGGCCACTTCA-3'
Protein context (NP_001120680.1, residues 1704-1724): DGFSSCTIRP[Asn1714His]VHHVGKLPPY